The following is an entry in ClinVar:

ClinVar aggregate classification (germline): Uncertain significance (1 of 4 stars; one submission).

Conditions:
Gorlin syndrome. Also called: Basal cell nevus syndrome; Nevoid Basal Cell Carcinoma Syndrome. Identifiers: Orphanet 377, MedGen C0004779, MONDO:0007187.

Submission:

Labcorp Genetics (formerly Invitae), Labcorp
Classification: Uncertain significance for Gorlin syndrome. Last evaluated: 2022-02-28. Review status: criteria provided, single submitter. Criteria: Invitae Variant Classification Sherloc (09022015). Collection method: clinical testing. Allele origin: germline.
Comment: This variant is not present in population databases (gnomAD no frequency). In summary, the available evidence is currently insufficient to determine the role of this variant in disease. Therefore, it has been classified as a Variant of Uncertain Significance. Algorithms developed to predict the effect of sequence changes on RNA splicing suggest that this variant is not likely to affect RNA splicing. This variant has not been reported in the literature in individuals affected with PTCH1-related conditions. This sequence change affects codon 195 of the PTCH1 mRNA. It is a 'silent' change, meaning that it does not change the encoded amino acid sequence of the PTCH1 protein. It affects a nucleotide within the consensus splice site.

NM_000264.5(PTCH1):c.585G>A (p.Arg195=)

Gene: PTCH1 (patched 1; minus strand). Cytogenetic location: 9q22.32.
Variant type: single nucleotide variant.
Coding change: c.585G>A on transcript NM_000264.5 (MANE Select); coding-DNA position 585, G replaced by A.
Protein change: p.Arg195=; no amino-acid change (arginine 195 retained).
Molecular consequence: synonymous variant. On other transcripts: non-coding transcript variant (1).
Genome position (GRCh38, 1-based): chr9:95,482,203, C>T on the plus strand (G>A on the coding strand, the complement: PTCH1 is on the minus strand). VCF-style: chr9-95482203-C-T. GRCh37 (hg19) VCF-style: chr9-98244485-C-T.
Other names: c.582G>A, p.Arg194= (NM_001083603.3); c.132G>A, p.Arg44= (NM_001083604.3, NM_001083605.3, NM_001083606.3 and 1 more transcripts); c.585G>A, p.Arg195= (NM_001354918.2); c.387G>A, p.Arg129= (NM_001354919.2, NM_001083602.3).
Identifiers: ClinVar variation 2099193 (VCV002099193.4), dbSNP rs2118475638, ClinGen allele CA466098150.